The following is an entry in ClinVar:

NM_006059.4(LAMC3):c.4377+4C>T

Gene: LAMC3 (laminin subunit gamma 3; plus strand). Cytogenetic location: 9q34.12.
Variant type: single nucleotide variant.
Coding change: c.4377+4C>T on transcript NM_006059.4 (MANE Select); 4 bases into the intron after coding-DNA position 4377, C replaced by T.
Molecular consequence: intron variant.
Genome position (GRCh38, 1-based): chr9:131,087,626, C>T. VCF-style: chr9-131087626-C-T. GRCh37 (hg19) VCF-style: chr9-133963013-C-T.
Identifiers: ClinVar variation 1438384 (VCV001438384.3), dbSNP rs761820113, ClinGen allele CA5288138.

ClinVar aggregate classification (germline): Uncertain significance (1 of 4 stars; one submission).

Allele frequency attached by ClinVar (database versions not stated): gnomAD 0.00001; ExAC 0.00002; gnomAD exomes 0.00002; TOPMed 0.00003.
gnomAD v4.1: 30 of 1,613,788 alleles (0.0019%); highest among the groups gnomAD compares: Middle Eastern, 0.016%; no homozygotes.

Submission:

Labcorp Genetics (formerly Invitae), Labcorp
Classification: Uncertain significance. Last evaluated: 2022-11-01. Review status: criteria provided, single submitter. Criteria: Invitae Variant Classification Sherloc (09022015). Collection method: clinical testing. Allele origin: germline.
Comment: This sequence change falls in intron 26 of the LAMC3 gene. It does not directly change the encoded amino acid sequence of the LAMC3 protein. It affects a nucleotide within the consensus splice site. This variant is present in population databases (rs761820113, gnomAD 0.007%). This variant has not been reported in the literature in individuals affected with LAMC3-related conditions. ClinVar contains an entry for this variant (Variation ID: 1438384). Variants that disrupt the consensus splice site are a relatively common cause of aberrant splicing (PMID: 17576681, 9536098). Algorithms developed to predict the effect of sequence changes on RNA splicing suggest that this variant is not likely to affect RNA splicing. In summary, the available evidence is currently insufficient to determine the role of this variant in disease. Therefore, it has been classified as a Variant of Uncertain Significance.

Literature cited by the submitters: PubMed 17576681; PubMed 9536098.